The following is an entry in ClinVar:

ClinVar aggregate classification (germline): Uncertain significance (1 of 4 stars; one submission).

Conditions:
Paragangliomas with sensorineural hearing loss. Identifiers: MedGen C1868633.
Cowden syndrome 3 (CWS3). Identifiers: Orphanet 201, MedGen CN166604, MONDO:0014045.
Carney-Stratakis syndrome. Also called: PARAGANGLIOMA AND GASTROINTESTINAL STROMAL TUMOR. Identifiers: Orphanet 97286, MedGen C1847319, MONDO:0011740, OMIM 606864.
Pheochromocytoma. Also called: MAX-Related Hereditary Paraganglioma-Pheochromocytoma Syndrome. Identifiers: Orphanet 29072, MedGen C0031511, MONDO:0008233, OMIM 171300, HP:0002666.

Submission:

Labcorp Genetics (formerly Invitae), Labcorp
Classification: Uncertain significance for Carney-Stratakis syndrome; Paragangliomas with sensorineural hearing loss; Pheochromocytoma; Cowden syndrome 3. Last evaluated: 2018-01-31. Review status: criteria provided, single submitter. Criteria: Invitae Variant Classification Sherloc (09022015). Collection method: clinical testing. Allele origin: germline.
Comment: In summary, the available evidence is currently insufficient to determine the role of this variant in disease. Therefore, it has been classified as a Variant of Uncertain Significance. Experimental studies and prediction algorithms are not available for this variant, and the functional significance of the deleted amino acid is currently unknown. This variant has not been reported in the literature in individuals with SDHD-related disease. This variant is not present in population databases (ExAC no frequency). This variant, c.288_290delTGC, results in the deletion of 1 amino acid of the SDHD protein (p.Ala98del), but otherwise preserves the integrity of the reading frame.

NM_003002.4(SDHD):c.288_290del (p.Ala98del)

Gene: SDHD (succinate dehydrogenase complex subunit D; plus strand). Cytogenetic location: 11q23.1.
Variant type: Deletion.
Coding change: c.288_290del on transcript NM_003002.4 (MANE Select); coding-DNA positions 288 to 290, 3 bases deleted (TGC; older notation c.288_290delTGC).
Protein change: p.Ala98del; deletes alanine 98.
Molecular consequence: inframe deletion. On other transcripts: non-coding transcript variant (1), intron variant (1).
Genome position (GRCh38, 1-based): chr11:112,088,985-112,088,987, TGC deleted; deleting any 3 consecutive bases within chr11:112,088,983-112,088,987 gives the same sequence; the c. name uses the placement nearest the transcript's 3' end. VCF-style (leftmost placement, unchanged base first): chr11-112088982-GGCT-G. GRCh37 (hg19) VCF-style: chr11-111959706-GGCT-G.
Other names: c.171_173del, p.Ala59del (NM_001276504.2); c.288_290del, p.Ala98del (NM_001276506.2); c.169+1012_169+1014del (NM_001276503.2); short protein forms A98del, A59del.
Identifiers: ClinVar variation 582531 (VCV000582531.6), dbSNP rs1566694825, ClinGen allele CA891842628.